The following is an entry in ClinVar:

ClinVar aggregate classification (germline): Conflicting classifications of pathogenicity. Review status: criteria provided, conflicting classifications (1 of 4 stars). 2 submissions from 2 submitters: Pathogenic (1); Uncertain significance (1). Last evaluated 2025-03-07.

Conditions:
Hereditary cancer-predisposing syndrome. Also called: Hereditary Cancer Syndrome; Tumor predisposition; Hereditary neoplastic syndrome; Neoplastic Syndromes, Hereditary. Identifiers: Orphanet 140162, MedGen C0027672, MeSH D009386, MONDO:0015356.

Allele frequency attached by ClinVar (database versions not stated): gnomAD exomes below 0.00001; TOPMed below 0.00001; gnomAD 0.00001.

Submissions (2):

Labcorp Genetics (formerly Invitae), Labcorp
Classification: Pathogenic. Last evaluated: 2025-03-07. Review status: criteria provided, single submitter. Criteria: Invitae Variant Classification Sherloc (09022015). Collection method: clinical testing. Allele origin: germline.
Comment: This sequence change creates a premature translational stop signal (p.Ile1362Asnfs*13) in the POLE gene. It is expected to result in an absent or disrupted protein product. Loss-of-function variants in POLE are known to be pathogenic (PMID: 23230001, 25948378, 30503519). This variant is not present in population databases (gnomAD no frequency). This variant has not been reported in the literature in individuals affected with POLE-related conditions. ClinVar contains an entry for this variant (Variation ID: 1054482). Algorithms developed to predict the effect of sequence changes on RNA splicing suggest that this variant may disrupt the consensus splice site. For these reasons, this variant has been classified as Pathogenic.

Ambry Genetics
Classification: Uncertain significance for Hereditary cancer-predisposing syndrome. Last evaluated: 2025-02-28. Review status: criteria provided, single submitter. Criteria: Ambry Variant Classification Scheme 2023. Collection method: clinical testing. Allele origin: germline.
Comment: The c.4084dupA variant, located in coding exon 32 of the POLE gene, results from a duplication of A at nucleotide position 4084, causing a translational frameshift with a predicted alternate stop codon (p.I1362Nfs*13). This alteration is expected to result in loss of function by premature protein truncation or nonsense-mediated mRNA decay. Although biallelic loss of function of POLE has been associated with autosomal recessive POLE deficiency, haploinsufficiency of POLE has not been established as a mechanism of disease for POLE-related polymerase proofreading-associated polyposis (PPAP) and POLE-related CMMRD-like syndrome. Based on the supporting evidence, this variant is expected to be causative of POLE deficiency when present along with a second pathogenic variant on the other allele; however, its clinical significance for PPAP and POLE-related CMMRD-like syndrome is unclear.

Literature cited by the submitters: PubMed 23230001 (cited by Labcorp Genetics (formerly Invitae), Labcorp); PubMed 25948378 (cited by Labcorp Genetics (formerly Invitae), Labcorp); PubMed 30503519 (cited by Labcorp Genetics (formerly Invitae), Labcorp).

NM_006231.4(POLE):c.4084dup (p.Ile1362fs)

Gene: POLE (DNA polymerase epsilon, catalytic subunit; minus strand). Cytogenetic location: 12q24.33.
Variant type: Duplication.
Coding change: c.4084dup on transcript NM_006231.4 (MANE Select); coding-DNA position 4084, one base duplicated (A; older notation c.4084dupA).
Protein change: p.Ile1362fs; shifts the reading frame from isoleucine 1362.
Molecular consequence: frameshift variant.
Genome position (GRCh38, 1-based): chr12:132,648,994, T duplicated on the plus strand (A on the coding strand, the reverse complement: POLE is on the minus strand). VCF-style (leftmost placement, unchanged base first): chr12-132648993-A-AT. GRCh37 (hg19) VCF-style: chr12-133225579-A-AT.
Other names: c.4084dupA (NM_006231.2); short protein forms I1362fs.
Identifiers: ClinVar variation 1054482 (VCV001054482.8), dbSNP rs1329301077, ClinGen allele CA685543237.